The following is an entry in ClinVar:

ClinVar aggregate classification (germline): Pathogenic (1 of 4 stars; one submission).

Conditions:
Primary ciliary dyskinesia 32. Also called: CILIARY DYSKINESIA, PRIMARY, 32, WITHOUT SITUS INVERSUS. Identifiers: Orphanet 244, MedGen C4225311, MONDO:0014657, OMIM 616481.

Submission:

Labcorp Genetics (formerly Invitae), Labcorp
Classification: Pathogenic for Primary ciliary dyskinesia 32. Last evaluated: 2023-08-04. Review status: criteria provided, single submitter. Criteria: Invitae Variant Classification Sherloc (09022015). Collection method: clinical testing. Allele origin: germline.
Comment: This variant is a gross deletion of the genomic region encompassing exon(s) 2 of the RSPH3 gene. This deletion is out-of-frame, and is expected to create a premature termination codon and result in an absent or disrupted protein product. Loss-of-function variants in RSPH3 are known to be pathogenic (PMID: 26073779). This variant has not been reported in the literature in individuals affected with RSPH3-related conditions. For these reasons, this variant has been classified as Pathogenic.

Literature cited by the submitters: PubMed 26073779.

NC_000006.11:g.(?_159414851)_(159414978_?)del

Gene: RSPH3 (radial spoke head 3; minus strand). Cytogenetic location: 6q25.3.
Variant type: Deletion.
Identifiers: ClinVar variation 1456876 (VCV001456876.4).